The following is an entry in ClinVar:

ClinVar aggregate classification (germline): Uncertain significance (1 of 4 stars; one submission).

gnomAD v4.1: 5 of 1,614,032 alleles (0.00031%); highest among the groups gnomAD compares: South Asian, 0.0011%; no homozygotes.

Submission:

Labcorp Genetics (formerly Invitae), Labcorp
Classification: Uncertain significance. Last evaluated: 2024-07-03. Review status: criteria provided, single submitter. Criteria: Invitae Variant Classification Sherloc (09022015). Collection method: clinical testing. Allele origin: germline.
Comment: This sequence change replaces histidine, which is basic and polar, with arginine, which is basic and polar, at codon 693 of the COL7A1 protein (p.His693Arg). This variant is present in population databases (rs748573760, gnomAD 0.003%). This variant has not been reported in the literature in individuals affected with COL7A1-related conditions. Advanced modeling of protein sequence and biophysical properties (such as structural, functional, and spatial information, amino acid conservation, physicochemical variation, residue mobility, and thermodynamic stability) performed at Invitae indicates that this missense variant is not expected to disrupt COL7A1 protein function with a negative predictive value of 95%. In summary, the available evidence is currently insufficient to determine the role of this variant in disease. Therefore, it has been classified as a Variant of Uncertain Significance.

NM_000094.4(COL7A1):c.2078A>G (p.His693Arg)

Gene: COL7A1 (collagen type VII alpha 1 chain; minus strand). Cytogenetic location: 3p21.31.
Variant type: single nucleotide variant.
Coding change: c.2078A>G on transcript NM_000094.4 (MANE Select); coding-DNA position 2078, A replaced by G.
Protein change: p.His693Arg; replaces histidine 693 with arginine.
Molecular consequence: missense variant.
Genome position (GRCh38, 1-based): chr3:48,589,691, T>C on the plus strand (A>G on the coding strand, the complement: COL7A1 is on the minus strand). VCF-style: chr3-48589691-T-C. GRCh37 (hg19) VCF-style: chr3-48627124-T-C.
Other names: short protein forms H693R.
Identifiers: ClinVar variation 3712461 (VCV003712461.2).
Genomic context (GRCh38, chr3:48,589,691, plus strand): 5'-GTGGCGCCAGGAACCCTGGTCCAGGTAATGGTGACAGATGAGCTGCTGGCCTGAGTCACA[T>C]GGACCGTCCTCACTGGGCCCAGTGGGTCTAGTGGGGAGAGGCAATGGGGAGTCTGCTGGA-3'
Protein context (NP_000085.1, residues 683-703): TDPLGPVRTV[His693Arg]VTQASSSSVT